The following is an entry in ClinVar:

ClinVar aggregate classification (germline): Uncertain significance (1 of 4 stars; one submission).

Conditions:
Familial cancer of breast. Also called: BREAST CANCER, FAMILIAL; Hereditary breast cancer; hereditary breast carcinoma. Identifiers: Orphanet 227535, MedGen C0346153, MONDO:0016419, OMIM 114480. Disease mechanism: loss of function.

Submission:

Labcorp Genetics (formerly Invitae), Labcorp
Classification: Uncertain significance for Familial cancer of breast. Last evaluated: 2017-12-11. Review status: criteria provided, single submitter. Criteria: Invitae Variant Classification Sherloc (09022015). Collection method: clinical testing. Allele origin: germline.
Comment: In summary, the available evidence is currently insufficient to determine the role of this variant in disease. Therefore, it has been classified as a Variant of Uncertain Significance. Algorithms developed to predict the effect of missense changes on protein structure and function do not agree on the potential impact of this missense change (SIFT: "Deleterious"; PolyPhen-2: "Probably Damaging"; Align-GVGD: "Class C0"). This variant has not been reported in the literature in individuals with CHEK2-related disease. This variant is not present in population databases (ExAC no frequency). This sequence change replaces cysteine with glycine at codon 385 of the CHEK2 protein (p.Cys385Gly). The cysteine residue is highly conserved and there is a large physicochemical difference between cysteine and glycine.

NM_007194.4(CHEK2):c.1153T>G (p.Cys385Gly)

Gene: CHEK2 (checkpoint kinase 2; minus strand). Cytogenetic location: 22q12.1.
Variant type: single nucleotide variant.
Coding change: c.1153T>G on transcript NM_007194.4 (MANE Select); coding-DNA position 1153, T replaced by G.
Protein change: p.Cys385Gly; replaces cysteine 385 with glycine.
Molecular consequence: missense variant.
Genome position (GRCh38, 1-based): chr22:28,695,816, A>C on the plus strand (T>G on the coding strand, the complement: CHEK2 is on the minus strand). VCF-style: chr22-28695816-A-C. GRCh37 (hg19) VCF-style: chr22-29091804-A-C.
Other names: c.1282T>G, p.Cys428Gly (NM_001005735.3); c.490T>G, p.Cys164Gly (NM_001257387.3); c.952T>G, p.Cys318Gly (NM_001349956.3); c.1066T>G, p.Cys356Gly (NM_145862.3); short protein forms C385G, C428G, C356G, C318G, C164G.
Identifiers: ClinVar variation 530156 (VCV000530156.9), dbSNP rs587782817, ClinGen allele CA411096887.